The following is an entry in ClinVar:

NM_015295.3(SMCHD1):c.3619A>G (p.Lys1207Glu)

Gene: SMCHD1 (structural maintenance of chromosomes flexible hinge domain containing 1; plus strand). Cytogenetic location: 18p11.32.
Variant type: single nucleotide variant.
Coding change: c.3619A>G on transcript NM_015295.3 (MANE Select); coding-DNA position 3619, A replaced by G.
Protein change: p.Lys1207Glu; replaces lysine 1207 with glutamic acid.
Molecular consequence: missense variant.
Genome position (GRCh38, 1-based): chr18:2,740,807, A>G. VCF-style: chr18-2740807-A-G. GRCh37 (hg19) VCF-style: chr18-2740805-A-G.
Other names: c.3619A>G (NM_015295.2); short protein forms K1207E.
Identifiers: ClinVar variation 1915209 (VCV001915209.6), dbSNP rs1214246455, ClinGen allele CA401688931.

ClinVar aggregate classification (germline): Uncertain significance. Review status: criteria provided, multiple submitters, no conflicts (2 of 4 stars). 2 submissions from 2 submitters: Uncertain significance (2). Last evaluated 2025-08-10.

Conditions:
Facioscapulohumeral muscular dystrophy 2 (FSHD2). Also called: FACIOSCAPULOHUMERAL MUSCULAR DYSTROPHY 2, DIGENIC; FSHD2, DIGENIC; MUSCULAR DYSTROPHY, FACIOSCAPULOHUMERAL, TYPE 1B. Identifiers: Orphanet 269, MedGen C1834671, MONDO:0008031, OMIM 158901.
Inborn genetic diseases. Identifiers: MedGen C0950123, MeSH D030342.

Allele frequency attached by ClinVar (database versions not stated): gnomAD exomes 0.00003.
gnomAD v4.1: 36 of 1,600,502 alleles (0.0022%); highest among the groups gnomAD compares: Non-Finnish European, 0.0031%; no homozygotes.

Submissions (2):

Ambry Genetics
Classification: Uncertain significance for Inborn genetic diseases. Last evaluated: 2025-08-10. Review status: criteria provided, single submitter. Criteria: Ambry Variant Classification Scheme 2023. Collection method: clinical testing. Allele origin: germline.

Labcorp Genetics (formerly Invitae), Labcorp
Classification: Uncertain significance for Facioscapulohumeral muscular dystrophy 2. Last evaluated: 2022-11-11. Review status: criteria provided, single submitter. Criteria: Invitae Variant Classification Sherloc (09022015). Collection method: clinical testing. Allele origin: germline.
Comment: This sequence change replaces lysine, which is basic and polar, with glutamic acid, which is acidic and polar, at codon 1207 of the SMCHD1 protein (p.Lys1207Glu). This variant is present in population databases (no rsID available, gnomAD 0.0009%). This variant has not been reported in the literature in individuals affected with SMCHD1-related conditions. Advanced modeling of protein sequence and biophysical properties (such as structural, functional, and spatial information, amino acid conservation, physicochemical variation, residue mobility, and thermodynamic stability) performed at Invitae indicates that this missense variant is not expected to disrupt SMCHD1 protein function. In summary, the available evidence is currently insufficient to determine the role of this variant in disease. Therefore, it has been classified as a Variant of Uncertain Significance.